The following is an entry in ClinVar:

NM_004415.4(DSP):c.6610C>T (p.Gln2204Ter)

Gene: DSP (desmoplakin; plus strand). Cytogenetic location: 6p24.3.
Variant type: single nucleotide variant.
Coding change: c.6610C>T on transcript NM_004415.4 (MANE Select); coding-DNA position 6610, C replaced by T.
Protein change: p.Gln2204Ter; replaces glutamine 2204 with a stop codon.
Molecular consequence: nonsense.
Genome position (GRCh38, 1-based): chr6:7,583,872, C>T. VCF-style: chr6-7583872-C-T. GRCh37 (hg19) VCF-style: chr6-7584105-C-T.
Other names: c.6610C>T (NM_004415.3); c.4813C>T, p.Gln1605Ter (NM_001008844.3); c.5281C>T, p.Gln1761Ter (NM_001319034.2); short protein forms Q2204*, Q1605*, Q1761*.
Identifiers: ClinVar variation 228648 (VCV000228648.5), dbSNP rs876657798, ClinGen allele CA10576705.

ClinVar aggregate classification (germline): Uncertain significance. Review status: criteria provided, single submitter (1 of 4 stars). 2 submissions from 2 submitters: Uncertain significance (1). 1 of the submissions does not count toward it. Last evaluated 2015-07-02.

Conditions:
DSP-related disorder. Also called: DSP-related condition; DSP-related disorders.

Allele frequency attached by ClinVar (database versions not stated): gnomAD exomes below 0.00001.
gnomAD v4.1: 2 of 1,614,114 alleles (0.00012%); highest among the groups gnomAD compares: Non-Finnish European, 0.00017%; no homozygotes.

Submissions (2):

Laboratory for Molecular Medicine, Mass General Brigham Personalized Medicine
Classification: Uncertain significance. Last evaluated: 2015-07-02. Review status: criteria provided, single submitter. Criteria: LMM Criteria. Collection method: clinical testing. Allele origin: germline. Observed: 1 variant allele.
Comment: Variant classified as Uncertain Significance - Favor Pathogenic. The p.Gln2204X variant in DSP has not been previously reported in individuals with cardiomyopat hy and was absent from large population studies. This nonsense variant leads to a premature termination codon within the last exon. Nonsense variants are well r eported patients with ARVC and this type of variant is generally expected to lead to nonsense medicated mRNA decay (NMD), resulting in loss of function. However, this is less likely in the last exon and therefore the effect of this variant on the protein is not clear. Some evidence for a rol e in ARVC comes from reports of homozygous truncating variants in the last exon in individuals with Carvajal syndrome and/or acantholytic epidermolysis bullosa (Cheong 2005, Jonkman 2005, Rasmussen 2013), though it is less clear if heterozy gous carriers exhibit any features. In summary, while there is some suspicion f or a pathogenic role, the clinical significance of the p.Gln2204X variant is unc ertain.

PreventionGenetics, part of Exact Sciences
Classification: Pathogenic for DSP-related condition. Last evaluated: 2024-03-25. Review status: no assertion criteria provided. Collection method: clinical testing. Allele origin: germline. Not counted in ClinVar's aggregate classification.
Comment: The DSP c.6610C>T variant is predicted to result in premature protein termination (p.Gln2204*). This variant was reported in the compound heterozygous state in a pair of monozygotic twins with lethal acantholytic epidermolysis bullosa, while the heterozygous carriers in this family were reported asymptomatic (Kim et al. 2017. PubMed ID: 28442525). This variant has not been reported in a large population database, indicating this variant is rare. This variant is located in the large terminal exon and multiple downstream loss-of-function variants have been documented in individuals with autosomal dominant DSP-associated cardiomyopathy or arrhythmogenic right ventricular dysplasia (Fressart et al. 2010. PubMed ID: 20400443; Tables S1 and S2, Smith et al. 2020. PubMed ID: 32372669; Table S1, Wang et al. 2022. PubMed ID: 34352074). In summary, this variant is interpreted as pathogenic for autosomal dominant and recessive DSP-associated disorders.